The following is an entry in ClinVar:

NM_021076.4(NEFH):c.848T>C (p.Val283Ala)

Gene: NEFH (neurofilament heavy chain; plus strand). Cytogenetic location: 22q12.2.
Variant type: single nucleotide variant.
Coding change: c.848T>C on transcript NM_021076.4 (MANE Select); coding-DNA position 848, T replaced by C.
Protein change: p.Val283Ala; replaces valine 283 with alanine.
Molecular consequence: missense variant.
Genome position (GRCh38, 1-based): chr22:29,481,110, T>C. VCF-style: chr22-29481110-T-C. GRCh37 (hg19) VCF-style: chr22-29877099-T-C.
Other names: short protein forms V283A.
Identifiers: ClinVar variation 1941282 (VCV001941282.5), dbSNP rs2063005538, ClinGen allele CA411124232.
Genomic context (GRCh38, chr22:29,481,110, plus strand): 5'-TGAAGTGCGACGTGACGTCGGCGCTGCGCGAGATTCGCGCGCAGCTTGAAGGCCACGCGG[T>C]GCAGAGCACGCTGCAGTCCGAGGAGTGGTTCCGAGGTACGCAGGCGCGCGGGTGGGGGGA-3'
Protein context (NP_066554.2, residues 273-293): EIRAQLEGHA[Val283Ala]QSTLQSEEWF

ClinVar aggregate classification (germline): Uncertain significance (1 of 4 stars; one submission).

Allele frequency attached by ClinVar (database versions not stated): TOPMed below 0.00001; gnomAD 0.00001.
gnomAD v4.1: 2 of 1,527,786 alleles (0.00013%); highest among the groups gnomAD compares: Non-Finnish European, 0.00017%; no homozygotes.

Submission:

Labcorp Genetics (formerly Invitae), Labcorp
Classification: Uncertain significance. Last evaluated: 2022-07-17. Review status: criteria provided, single submitter. Criteria: Invitae Variant Classification Sherloc (09022015). Collection method: clinical testing. Allele origin: germline.
Comment: This variant has not been reported in the literature in individuals affected with NEFH-related conditions. Advanced modeling of protein sequence and biophysical properties (such as structural, functional, and spatial information, amino acid conservation, physicochemical variation, residue mobility, and thermodynamic stability) performed at Invitae indicates that this missense variant is not expected to disrupt NEFH protein function. In summary, the available evidence is currently insufficient to determine the role of this variant in disease. Therefore, it has been classified as a Variant of Uncertain Significance. This variant is not present in population databases (gnomAD no frequency). This sequence change replaces valine, which is neutral and non-polar, with alanine, which is neutral and non-polar, at codon 283 of the NEFH protein (p.Val283Ala).